The following is an entry in ClinVar:

NM_001999.4(FBN2):c.3480C>A (p.Asp1160Glu)

Gene: FBN2 (fibrillin 2; minus strand). Cytogenetic location: 5q23.3.
Variant type: single nucleotide variant.
Coding change: c.3480C>A on transcript NM_001999.4 (MANE Select); coding-DNA position 3480, C replaced by A.
Protein change: p.Asp1160Glu; replaces aspartic acid 1160 with glutamic acid.
Molecular consequence: missense variant.
Genome position (GRCh38, 1-based): chr5:128,338,115, G>T on the plus strand (C>A on the coding strand, the complement: FBN2 is on the minus strand). VCF-style: chr5-128338115-G-T. GRCh37 (hg19) VCF-style: chr5-127673807-G-T.
Other names: c.3480C>A (NM_001999.3); short protein forms D1160E.
Identifiers: ClinVar variation 2201303 (VCV002201303.5), dbSNP rs142323824, ClinGen allele CA127014943.

ClinVar aggregate classification (germline): Conflicting classifications of pathogenicity. Review status: criteria provided, conflicting classifications (1 of 4 stars). 2 submissions from 2 submitters: Uncertain significance (1); Likely benign (1). Last evaluated 2025-12-03.

Conditions:
Congenital contractural arachnodactyly (CCA). Also called: Arthrogryposis, distal, type 9; BEALS SYNDROME; Beals-Hecht syndrome. Identifiers: Orphanet 115, MedGen C0220668, MONDO:0007363, OMIM 121050.

gnomAD v4.1: 14 of 1,613,772 alleles (0.00087%); highest among the groups gnomAD compares: Admixed American, 0.018%; no homozygotes.

Submissions (2):

Labcorp Genetics (formerly Invitae), Labcorp
Classification: Likely benign for Congenital contractural arachnodactyly. Last evaluated: 2025-12-03. Review status: criteria provided, single submitter. Criteria: Invitae Variant Classification Sherloc (09022015). Collection method: clinical testing. Allele origin: germline.

GeneDx
Classification: Uncertain significance. Last evaluated: 2023-05-19. Review status: criteria provided, single submitter. Criteria: GeneDx Variant Classification Process June 2021. Collection method: clinical testing. Allele origin: germline. Affected: yes.
Comment: Has not been previously published as pathogenic or benign to our knowledge; Not observed at significant frequency in large population cohorts (gnomAD); In silico analysis supports that this missense variant has a deleterious effect on protein structure/function; Although located in a calcium-binding EGF-like domain of the FBN2 gene, it does not substitute or introduce a cysteine residue (Callewaert et al., 2009; Frederic et al., 2009); This variant is associated with the following publications: (PMID: 19006240, 18767143)